The following is an entry in ClinVar:

ClinVar aggregate classification (germline): Uncertain significance (1 of 4 stars; one submission).

Allele frequency attached by ClinVar (database versions not stated): TOPMed below 0.00001; gnomAD exomes 0.00001; ExAC 0.00002.
gnomAD v4.1: 3 of 1,613,704 alleles (0.00019%); highest among the groups gnomAD compares: Admixed American, 0.005%; no homozygotes.

Submission:

Labcorp Genetics (formerly Invitae), Labcorp
Classification: Uncertain significance. Last evaluated: 2023-08-04. Review status: criteria provided, single submitter. Criteria: Invitae Variant Classification Sherloc (09022015). Collection method: clinical testing. Allele origin: germline.
Comment: In summary, the available evidence is currently insufficient to determine the role of this variant in disease. Therefore, it has been classified as a Variant of Uncertain Significance. Advanced modeling of protein sequence and biophysical properties (such as structural, functional, and spatial information, amino acid conservation, physicochemical variation, residue mobility, and thermodynamic stability) performed at Invitae indicates that this missense variant is not expected to disrupt SAMD9L protein function. ClinVar contains an entry for this variant (Variation ID: 2181591). This variant has not been reported in the literature in individuals affected with SAMD9L-related conditions. This variant is present in population databases (rs755832893, gnomAD 0.009%). This sequence change replaces glutamic acid, which is acidic and polar, with lysine, which is basic and polar, at codon 1530 of the SAMD9L protein (p.Glu1530Lys).

NM_152703.5(SAMD9L):c.4588G>A (p.Glu1530Lys)

Gene: SAMD9L (sterile alpha motif domain containing 9 like; minus strand). Cytogenetic location: 7q21.2.
Variant type: single nucleotide variant.
Coding change: c.4588G>A on transcript NM_152703.5 (MANE Select); coding-DNA position 4588, G replaced by A.
Protein change: p.Glu1530Lys; replaces glutamic acid 1530 with lysine.
Molecular consequence: missense variant.
Genome position (GRCh38, 1-based): chr7:93,131,384, C>T on the plus strand (G>A on the coding strand, the complement: SAMD9L is on the minus strand). VCF-style: chr7-93131384-C-T. GRCh37 (hg19) VCF-style: chr7-92760697-C-T.
Other names: c.4588G>A, p.Glu1530Lys (NM_001303496.3, NM_001303497.3, NM_001303498.3 and 5 more transcripts); short protein forms E1530K.
Identifiers: ClinVar variation 2181591 (VCV002181591.4), dbSNP rs755832893, ClinGen allele CA4343275.
Genomic context (GRCh38, chr7:93,131,384, plus strand): 5'-ATATTACTGGTATTTTTATTTTTTCCTCTGTTCCATATTCTACAGAGATTAGCTTGCCTT[C>T]AGCCTGACCAGTTAGACGACGCAGGAGGTCTTTGACTTCATTTTTTTTCCACACATCCCC-3'
Protein context (NP_689916.2, residues 1520-1540): DLLRRLTGQA[Glu1530Lys]GKLISVEYGT